The following is an entry in ClinVar:

ClinVar aggregate classification (germline): Uncertain significance (1 of 4 stars; one submission).

Submission:

Labcorp Genetics (formerly Invitae), Labcorp
Classification: Uncertain significance. Last evaluated: 2022-12-02. Review status: criteria provided, single submitter. Criteria: Invitae Variant Classification Sherloc (09022015). Collection method: clinical testing. Allele origin: germline.
Comment: This sequence change affects a donor splice site in intron 6 of the CACNA1D gene. It is expected to disrupt RNA splicing. Variants that disrupt the donor or acceptor splice site typically lead to a loss of protein function (PMID: 16199547), however the current clinical and genetic evidence is not sufficient to establish whether loss-of-function variants in CACNA1D cause disease. In summary, the available evidence is currently insufficient to determine the role of this variant in disease. Therefore, it has been classified as a Variant of Uncertain Significance. Algorithms developed to predict the effect of sequence changes on RNA splicing suggest that this variant may disrupt the consensus splice site. This variant has not been reported in the literature in individuals affected with CACNA1D-related conditions. This variant is not present in population databases (gnomAD no frequency).

Literature cited by the submitters: PubMed 16199547.

NM_001128840.3(CACNA1D):c.919+1G>C

Gene: CACNA1D (calcium voltage-gated channel subunit alpha1 D; plus strand). Cytogenetic location: 3p21.1.
Variant type: single nucleotide variant.
Coding change: c.919+1G>C on transcript NM_001128840.3 (MANE Select); the canonical splice donor site of the intron after coding-DNA position 919, G replaced by C.
Molecular consequence: splice donor variant.
Genome position (GRCh38, 1-based): chr3:53,665,813, G>C. VCF-style: chr3-53665813-G-C. GRCh37 (hg19) VCF-style: chr3-53699840-G-C.
Other names: c.919+1G>C (NM_001128839.3, NM_000720.4).
Identifiers: ClinVar variation 2817848 (VCV002817848.3), dbSNP rs966702928, ClinGen allele CA353383278.